The following is an entry in ClinVar:

ClinVar aggregate classification (germline): Conflicting classifications of pathogenicity. Review status: criteria provided, conflicting classifications (1 of 4 stars). 9 submissions from 9 submitters: Uncertain significance (1); Benign (3); Likely benign (5). Last evaluated 2026-07-01.

Conditions:
Early-infantile DEE. Also called: Early infantile epileptic encephalopathy; Ohtahara syndrome; Early infantile epileptic encephalopathy with suppression bursts. Identifiers: Orphanet 1934, MedGen C0393706, MONDO:0800491.
Inborn genetic diseases. Identifiers: MedGen C0950123, MeSH D030342.
Developmental and epileptic encephalopathy, 5 (DEE5). Identifiers: Orphanet 3451, MedGen C3150731, MONDO:0013277, OMIM 613477.

Allele frequency attached by ClinVar (database versions not stated): ESP Exome Variant Server 0.00031; TOPMed 0.00034; gnomAD exomes 0.00045 and 0.00050; ExAC 0.00054; gnomAD 0.00064 and 0.00066.
gnomAD v4.1: 752 of 1,614,222 alleles (0.047%); highest among the groups gnomAD compares: Non-Finnish European, 0.057%; 2 homozygotes.

Submissions (9):

CeGaT Center for Human Genetics Tuebingen
Classification: Likely benign. Last evaluated: 2026-07-01. Review status: criteria provided, single submitter. Criteria: CeGaT Center For Human Genetics Tuebingen Variant Classification Criteria Version 2. Collection method: clinical testing. Allele origin: germline. Affected: yes. Observed: 23 variant alleles.
Comment: SPTAN1: BP4, BP7

Labcorp Genetics (formerly Invitae), Labcorp
Classification: Likely benign for Early-infantile DEE. Last evaluated: 2026-01-12. Review status: criteria provided, single submitter. Criteria: Invitae Variant Classification Sherloc (09022015). Collection method: clinical testing. Allele origin: germline.

Laboratory of Genetics, Children's Clinical University Hospital Latvia
Classification: Likely benign. Last evaluated: 2025-02-16. Review status: criteria provided, single submitter. Criteria: ACMG Guidelines, 2015. Collection method: clinical testing. Allele origin: germline. Affected: yes.

Mayo Clinic Laboratories, Mayo Clinic
Classification: Benign. Last evaluated: 2025-01-20. Review status: criteria provided, single submitter. Criteria: ACMG Guidelines, 2015. Collection method: clinical testing. Allele origin: germline. Observed: 3 variant alleles.
Comment: BS1, BS2, BP4, BP7

Blueprint Genetics
Classification: Likely benign. Last evaluated: 2024-10-04. Review status: criteria provided, single submitter. Criteria: ACMG Guidelines, 2015. Collection method: clinical testing. Allele origin: germline.

Genome-Nilou Lab
Classification: Benign for Developmental and epileptic encephalopathy, 5. Last evaluated: 2021-07-15. Review status: criteria provided, single submitter. Criteria: ACMG Guidelines, 2015. Collection method: clinical testing. Allele origin: germline. Affected: no.

Ambry Genetics
Classification: Likely benign for Inborn genetic diseases. Last evaluated: 2017-02-01. Review status: criteria provided, single submitter. Criteria: Ambry Variant Classification Scheme 2023. Collection method: clinical testing. Allele origin: germline.

Eurofins Ntd Llc (ga)
Classification: Uncertain significance. Last evaluated: 2016-02-25. Review status: criteria provided, single submitter. Criteria: EGL Classification Definitions 2015. Collection method: clinical testing. Allele origin: germline. Observed: 2 variant alleles, 2 heterozygotes.

GeneDx
Classification: Benign. Last evaluated: 2014-05-15. Review status: criteria provided, single submitter. Criteria: GeneDx Variant Classification (06012015). Collection method: clinical testing. Allele origin: germline. Affected: yes.
Comment: This variant is considered likely benign or benign based on one or more of the following criteria: it is a conservative change, it occurs at a poorly conserved position in the protein, it is predicted to be benign by multiple in silico algorithms, and/or has population frequency not consistent with disease.

NM_001130438.3(SPTAN1):c.2610A>G (p.Gln870=)

Gene: SPTAN1 (spectrin alpha, non-erythrocytic 1; plus strand). Cytogenetic location: 9q34.11.
Variant type: single nucleotide variant.
Coding change: c.2610A>G on transcript NM_001130438.3 (MANE Select); coding-DNA position 2610, A replaced by G.
Protein change: p.Gln870=; no amino-acid change (glutamine 870 retained).
Molecular consequence: synonymous variant.
Genome position (GRCh38, 1-based): chr9:128,585,797, A>G. VCF-style: chr9-128585797-A-G. GRCh37 (hg19) VCF-style: chr9-131348076-A-G.
Other names: p.Q870Q:CAA>CAG; p.Gln870=; c.2610A>G, p.Gln870= (NM_001195532.2, NM_001363759.2, NM_001363765.2 and 1 more transcripts).
Identifiers: ClinVar variation 139278 (VCV000139278.99), dbSNP rs138101005, ClinGen allele CA293719.
Genomic context (GRCh38, chr9:128,585,797, plus strand): 5'-CCATCTTCCAGGCCATTTTGCTGCAGAGGATGTGAAGGCCAAGCTTCACGAGCTGAACCA[A>G]AAGTGGGAGGCACTGAAAGCCAAAGCTTCCCAGCGTCGGCAGGACCTGGAGGACTCTCTG-3'
Protein context (NP_001123910.1, residues 860-880): DVKAKLHELN[Gln870=]KWEALKAKAS